The following is an entry in ClinVar:

NM_007217.4(PDCD10):c.396-2A>C

Gene: PDCD10 (programmed cell death 10; minus strand). Cytogenetic location: 3q26.1.
Variant type: single nucleotide variant.
Coding change: c.396-2A>C on transcript NM_007217.4 (MANE Select); the canonical splice acceptor site of the intron before coding-DNA position 396, A replaced by C.
Molecular consequence: splice acceptor variant.
Genome position (GRCh38, 1-based): chr3:167,687,695, T>G on the plus strand (A>C on the coding strand, the complement: PDCD10 is on the minus strand). VCF-style: chr3-167687695-T-G. GRCh37 (hg19) VCF-style: chr3-167405483-T-G.
Other names: c.396-2A>C (NM_145860.2, NM_145859.2).
Identifiers: ClinVar variation 2730787 (VCV002730787.3), dbSNP rs1559945126, ClinGen allele CA355154383.

ClinVar aggregate classification (germline): Pathogenic (1 of 4 stars; one submission).

Conditions:
Cerebral cavernous malformation 3. Also called: Familial Cerebral Cavernous Malformation 3. Identifiers: Orphanet 221061, MedGen C1864040, MONDO:0011305, OMIM 603285.

Submission:

Labcorp Genetics (formerly Invitae), Labcorp
Classification: Pathogenic for Cerebral cavernous malformation 3. Last evaluated: 2023-06-27. Review status: criteria provided, single submitter. Criteria: Invitae Variant Classification Sherloc (09022015). Collection method: clinical testing. Allele origin: germline.
Comment: Disruption of this splice site has been observed in individuals with cerebral cavernous malformation (PMID: 16380626; Invitae). This variant is not present in population databases (gnomAD no frequency). This sequence change affects an acceptor splice site in intron 5 of the PDCD10 gene. It is expected to disrupt RNA splicing. Variants that disrupt the donor or acceptor splice site typically lead to a loss of protein function (PMID: 16199547), and loss-of-function variants in PDCD10 are known to be pathogenic (PMID: 15543491, 18300272, 23801932). Algorithms developed to predict the effect of sequence changes on RNA splicing suggest that this variant may disrupt the consensus splice site. For these reasons, this variant has been classified as Pathogenic.

Literature cited by the submitters: PubMed 16380626; PubMed 16199547; PubMed 15543491; PubMed 18300272; PubMed 23801932.